The following is an entry in ClinVar:

ClinVar aggregate classification (germline): Pathogenic (1 of 4 stars; one submission).

Conditions:
Hereditary cancer-predisposing syndrome. Also called: Neoplastic Syndromes, Hereditary; Tumor predisposition; Hereditary Cancer Syndrome; Hereditary neoplastic syndrome. Identifiers: Orphanet 140162, MedGen C0027672, MeSH D009386, MONDO:0015356.

Submission:

Ambry Genetics
Classification: Pathogenic for Hereditary cancer-predisposing syndrome. Last evaluated: 2022-03-01. Review status: criteria provided, single submitter. Criteria: Ambry Variant Classification Scheme 2023. Collection method: clinical testing. Allele origin: germline.
Comment: The c.107dupA pathogenic mutation, located in coding exon 1 of the STK11 gene, results from a duplication of A at nucleotide position 107, causing a translational frameshift with a predicted alternate stop codon (p.Y36*). This alteration has been observed in at least one individual with a personal and/or family history that is consistent with STK11-related disease (Ambry internal data). This variant is considered to be rare based on population cohorts in the Genome Aggregation Database (gnomAD). This alteration is expected to result in loss of function by premature protein truncation or nonsense-mediated mRNA decay. As such, this alteration is interpreted as a disease-causing mutation.

NM_000455.5(STK11):c.107dup (p.Tyr36Ter)

Gene: STK11 (serine/threonine kinase 11; plus strand). Cytogenetic location: 19p13.3.
Variant type: Duplication.
Coding change: c.107dup on transcript NM_000455.5 (MANE Select); coding-DNA position 107, one base duplicated (A; older notation c.107dupA).
Protein change: p.Tyr36Ter; replaces tyrosine 36 with a stop codon.
Molecular consequence: nonsense. On other transcripts: frameshift variant (2).
Genome position (GRCh38, 1-based): chr19:1,207,020, A duplicated. VCF-style (leftmost placement, unchanged base first): chr19-1207019-T-TA. GRCh37 (hg19) VCF-style: chr19-1207018-T-TA.
Other names: c.107dup, p.Tyr36Terfs (NM_001407255.1); c.107dupA (NM_000455.4); short protein forms Y36*.
Identifiers: ClinVar variation 1786027 (VCV001786027.2), dbSNP rs2512920956, ClinGen allele CA2580096034.